The following is an entry in ClinVar:

ClinVar aggregate classification (germline): Pathogenic/Likely pathogenic. Review status: criteria provided, multiple submitters, no conflicts (2 of 4 stars). 13 submissions from 13 submitters: Pathogenic (11); Likely pathogenic (1). 1 of the submissions does not count toward it. Last evaluated 2026-06-08.

Conditions:
SLC19A3-related disorder. Also called: SLC19A3-related condition.
Biotin-responsive basal ganglia disease (BTBGD). Also called: Thiamine metabolism dysfunction syndrome type 2; Thiamine metabolism dysfunction syndrome 2 (biotin- or thiamine-responsive encephalopathy type 2); thiamine-responsive encephalopathy; Thiamine Transporter-2 Deficiency; THIAMINE METABOLISM DYSFUNCTION SYNDROME 2 (BIOTIN- AND THIAMINE-RESPONSIVE TYPE). Identifiers: Orphanet 199348, Orphanet 65284, MedGen C1843807, MONDO:0011841, OMIM 607483.

Allele frequency attached by ClinVar (database versions not stated): gnomAD 0.00008; TOPMed 0.00009.
gnomAD v4.1: 91 of 1,612,712 alleles (0.0056%); highest among the groups gnomAD compares: Admixed American, 0.035%; no homozygotes.

Submissions (13):

Women's Health and Genetics/Laboratory Corporation of America, LabCorp
Classification: Pathogenic for Biotin-responsive basal ganglia disease. Last evaluated: 2026-06-08. Review status: criteria provided, single submitter. Criteria: LabCorp Variant Classification Summary - May 2015. Collection method: clinical testing. Allele origin: germline.
Comment: Variant summary: SLC19A3 c.980-14A>G alters a nucleotide located at a position not widely known to affect splicing. Several computational tools predict a significant impact on normal splicing: Four predict the variant creates a cryptic 3' acceptor site. Two predict the variant weakens a canonical 3' acceptor site. At least one publication reports experimental evidence that this variant affects mRNA splicing, resulting in skipping of exon 4 which is expected to result in a premature stop codon and nonsense mediated decay (Ortigoza-Escobar_2016). The variant allele was found at a frequency of 6.8e-05 in 250410 control chromosomes (gnomAD). This frequency is not significantly higher than estimated for disease-causing variants in SLC19A3, allowing no conclusion about variant significance. c.980-14A>G has been observed in individuals affected with Basal ganglia disease, biotin-thiamine-responsive (e.g. Debs_2010, Ortigoza-Escobar_2016). These data indicate that the variant is likely to be associated with disease. The following publications have been ascertained in the context of this evaluation (PMID: 20065143, 26657515). ClinVar contains an entry for this variant (Variation ID: 446038). Based on the evidence outlined above, the variant was classified as pathogenic.

Labcorp Genetics (formerly Invitae), Labcorp
Classification: Pathogenic for Biotin-responsive basal ganglia disease. Last evaluated: 2025-10-29. Review status: criteria provided, single submitter. Criteria: Invitae Variant Classification Sherloc (09022015). Collection method: clinical testing. Allele origin: germline.
Comment: This sequence change falls in intron 3 of the SLC19A3 gene. It does not directly change the encoded amino acid sequence of the SLC19A3 protein. RNA analysis indicates that this variant induces altered splicing and may result in an absent or altered protein product. This variant is present in population databases (rs200542114, gnomAD 0.02%). This variant has been observed in individuals with thiamine metabolism dysfunction syndrome 2, also known as biotin-responsive basal ganglia disease (PMID: 20065143, 22777947, 24957181, 26657515). It has also been observed to segregate with disease in related individuals. ClinVar contains an entry for this variant (Variation ID: 446038). Studies have shown that this variant alters mRNA splicing and is expected to lead to the loss of protein expression (PMID: 20065143, 26657515). For these reasons, this variant has been classified as Pathogenic.

Variantyx, Inc.
Classification: Pathogenic for Biotin-responsive basal ganglia disease. Last evaluated: 2025-06-06. Review status: criteria provided, single submitter. Criteria: Variantyx Assertion Criteria 2022. Collection method: clinical testing. Allele origin: germline. Inheritance: Autosomal recessive inheritance.
Comment: This is an intronic variant in the SLC19A3 gene (OMIM: 606152). Pathogenic variants in this gene have been associated with autosomal recessive thiamine metabolism dysfunction syndrome 2 (biotin/thiamine-responsive basal ganglia disease type). This splicing variant is expected to result in loss of function, which is a known disease mechanism for SLC19A3 in this disorder (PMID: 20065143, 26657515) (PVS1). Based on the current evidence, this variant is classified as pathogenic for autosomal recessive thiamine metabolism dysfunction syndrome 2 (biotin/thiamine-responsive basal ganglia disease type).

Rady Children's Institute for Genomic Medicine, Rady Children's Hospital San Diego
Classification: Pathogenic for Biotin-thiamine-responsive basal ganglia disease. Last evaluated: 2025-06-03. Review status: criteria provided, single submitter. Criteria: ACMG Guidelines, 2015. Collection method: clinical testing. Allele origin: germline. Affected: yes.
Comment: Multiple splice prediction tools suggest this variant is likely to interfere with normal splicing. This variant has been previously reported as a compound heterozygous change in patients with biotin-responsive basal ganglia disease and/or Leigh syndrome and has been observed to segregate with disease (PMID: 20065143, 26657515, 22777947, 24957181, 35094435). Functional studies demonstrated that the c.980-14A>G variant resulted in aberrant splicing that introduces a premature termination codon causing the mRNA to undergo NMD (PMID: 20065143, 26657515). The c.980-14A>G variant is present in the latest version of the gnomAD population database at an allele frequency of 0.006% (91/1612712). Based on the available evidence, c.980-14A>G is classified as Pathogenic.

GeneDx
Classification: Pathogenic. Last evaluated: 2024-12-29. Review status: criteria provided, single submitter. Criteria: GeneDx Variant Classification Process June 2021. Collection method: clinical testing. Allele origin: germline. Affected: yes.
Comment: Published functional studies demonstrate a damaging effect (PMID: 20065143); This variant is associated with the following publications: (PMID: 27621386, 24957181, 20065143, 26657515, 31589614, 31440721, 31557427, 34352085, 31061755, 31095747, 34276785, 35094435, 34631424, 32600842, 22777947)

Blueprint Genetics
Classification: Pathogenic for SLC19A3-related disorders. Last evaluated: 2024-08-21. Review status: criteria provided, single submitter. Criteria: ACMG Guidelines, 2015. Collection method: clinical testing. Allele origin: germline. Affected: yes. Observed: 5 variant alleles.

3billion
Classification: Likely pathogenic for Biotin-responsive basal ganglia disease. Last evaluated: 2024-06-12. Review status: criteria provided, single submitter. Criteria: ACMG Guidelines, 2015. Collection method: clinical testing. Allele origin: germline. Affected: yes.
Comment: The variant is observed at an extremely low frequency in the gnomAD v4.0.0 dataset (total allele frequency: 0.006%). Predicted Consequence/Location: Intron variant In silico tools predict the variant to alter splicing and produce an abnormal transcript [SpliceAI: 0.75 (>=0.2, moderate evidence for spliceogenicity)]. The variant has been reported at least twice as pathogenic with clinical assertions and evidence for the classification (ClinVar ID: VCV000446038 /PMID: 20065143). Therefore, this variant is classified as Likely pathogenic according to the recommendation of ACMG/AMP guideline.

Fulgent Genetics
Classification: Pathogenic for Biotin-responsive basal ganglia disease. Last evaluated: 2023-12-21. Review status: criteria provided, single submitter. Criteria: ACMG Guidelines, 2015. Collection method: clinical testing. Allele origin: germline.

Revvity Omics, Revvity
Classification: Pathogenic for Biotin-responsive basal ganglia disease. Last evaluated: 2021-06-25. Review status: criteria provided, single submitter. Criteria: ACMG Guidelines, 2015. Collection method: clinical testing. Allele origin: germline.

Institute of Medical Genetics and Applied Genomics, University Hospital Tübingen
Classification: Pathogenic. Last evaluated: 2020-10-23. Review status: criteria provided, single submitter. Criteria: ACMG Guidelines, 2015. Collection method: clinical testing. Allele origin: germline. Inheritance: Unknown mechanism. Affected: yes.

Center for Pediatric Genomic Medicine, Children's Mercy Hospital and Clinics
Classification: Pathogenic. Last evaluated: 2017-06-01. Review status: criteria provided, single submitter. Criteria: ACMG Guidelines, 2015. Collection method: clinical testing. Allele origin: germline.

Juno Genomics, Hangzhou Juno Genomics, Inc
Classification: Pathogenic for Biotin-responsive basal ganglia disease. Review status: criteria provided, single submitter. Criteria: ACMG Guidelines, 2015. Collection method: clinical testing. Allele origin: germline.
Comment: Absent from controls (or at extremely low frequency if recessive) in Genome Aggregation Database.;Null variant in a gene where loss of function (LOF) is a known mechanism of disease.;For recessive disorders, detected in trans with a pathogenic variant.;Co-segregation with disease in multiple affected family members.

OMIM
Classification: Pathogenic for BIOTIN-THIAMINE-RESPONSIVE BASAL GANGLIA DISEASE. Last evaluated: 2010-01-01. Review status: no assertion criteria provided. Collection method: literature only. Allele origin: germline. Not counted in ClinVar's aggregate classification.

Literature cited by the submitters: PubMed 26657515 (cited by 4 submitters); PubMed 20065143 (cited by 6 submitters); PubMed 22777947 (cited by Labcorp Genetics (formerly Invitae), Labcorp and Rady Children's Institute for Genomic Medicine, Rady Children's Hospital San Diego); PubMed 24957181 (cited by Labcorp Genetics (formerly Invitae), Labcorp and Rady Children's Institute for Genomic Medicine, Rady Children's Hospital San Diego); PubMed 32600842 (cited by Variantyx, Inc.); PubMed 34631424 (cited by Variantyx, Inc.); PubMed 35094435 (cited by Rady Children's Institute for Genomic Medicine, Rady Children's Hospital San Diego).

NM_025243.4(SLC19A3):c.980-14A>G

Gene: SLC19A3 (solute carrier family 19 member 3; minus strand). Cytogenetic location: 2q36.3.
Variant type: single nucleotide variant.
Coding change: c.980-14A>G on transcript NM_025243.4 (MANE Select); 14 bases into the intron before coding-DNA position 980, A replaced by G.
Molecular consequence: intron variant.
Genome position (GRCh38, 1-based): chr2:227,696,095, T>C on the plus strand (A>G on the coding strand, the complement: SLC19A3 is on the minus strand). VCF-style: chr2-227696095-T-C. GRCh37 (hg19) VCF-style: chr2-228560811-T-C.
Other names: IVS3AS, A-G, -14; c.968-14A>G (NM_001371413.1, NM_001371414.1); c.980-14A>G (NM_001371411.1, NM_001371412.1).
Identifiers: ClinVar variation 446038 (VCV000446038.32), dbSNP rs200542114, ClinGen allele CA2149183.